The following is an entry in ClinVar:

NM_003106.4(SOX2):c.256G>T (p.Glu86Ter)

Genes: SOX2-OT (SOX2 overlapping transcript; plus strand), SOX2 (SRY-box transcription factor 2; plus strand), LOC108281177 (SOX2 5' regulatory region; plus strand). Cytogenetic location: 3q26.33.
Variant type: single nucleotide variant.
Coding change: c.256G>T on transcript NM_003106.4 (MANE Select); coding-DNA position 256, G replaced by T.
Protein change: p.Glu86Ter; replaces glutamic acid 86 with a stop codon.
Molecular consequence: nonsense.
Genome position (GRCh38, 1-based): chr3:181,712,616, G>T. VCF-style: chr3-181712616-G-T. GRCh37 (hg19) VCF-style: chr3-181430404-G-T.
Other names: short protein forms E86*.
Identifiers: ClinVar variation 2762119 (VCV002762119.3), dbSNP rs2108521935, ClinGen allele CA355473477.

ClinVar aggregate classification (germline): Pathogenic (1 of 4 stars; one submission).

Conditions:
Anophthalmia/microphthalmia-esophageal atresia syndrome (MCOPS3). Also called: MICROPHTHALMIA AND ESOPHAGEAL ATRESIA SYNDROME; AEG SYNDROME; SOX2 Disorder. Identifiers: Orphanet 77298, MedGen C1859773, MONDO:0008799, OMIM 206900.

Submission:

Labcorp Genetics (formerly Invitae), Labcorp
Classification: Pathogenic for Anophthalmia/microphthalmia-esophageal atresia syndrome. Last evaluated: 2023-09-20. Review status: criteria provided, single submitter. Criteria: Invitae Variant Classification Sherloc (09022015). Collection method: clinical testing. Allele origin: germline.
Comment: For these reasons, this variant has been classified as Pathogenic. This variant disrupts a region of the SOX2 protein in which other variant(s) (p.Tyr180*) have been determined to be pathogenic (PMID: 19921648). This suggests that this is a clinically significant region of the protein, and that variants that disrupt it are likely to be disease-causing. This variant has not been reported in the literature in individuals affected with SOX2-related conditions. This variant is not present in population databases (gnomAD no frequency). This sequence change creates a premature translational stop signal (p.Glu86*) in the SOX2 gene. While this is not anticipated to result in nonsense mediated decay, it is expected to disrupt the last 232 amino acid(s) of the SOX2 protein.

Literature cited by the submitters: PubMed 19921648.